The following is an entry in ClinVar:

ClinVar aggregate classification (germline): Uncertain significance. Review status: criteria provided, multiple submitters, no conflicts (2 of 4 stars). 2 submissions from 2 submitters: Uncertain significance (2). Last evaluated 2024-12-15.

Conditions:
Inborn genetic diseases. Identifiers: MedGen C0950123, MeSH D030342.

Allele frequency attached by ClinVar (database versions not stated): gnomAD 0.00001; ExAC 0.00002; TOPMed 0.00002.
gnomAD v4.1: 9 of 1,613,770 alleles (0.00056%); highest among the groups gnomAD compares: East Asian, 0.013%; no homozygotes.

Submissions (2):

Ambry Genetics
Classification: Uncertain significance for Inborn genetic diseases. Last evaluated: 2024-12-15. Review status: criteria provided, single submitter. Criteria: Ambry Variant Classification Scheme 2023. Collection method: clinical testing. Allele origin: germline.
Comment: The p.L801P variant (also known as c.2402T>C), located in coding exon 1 of the SAMD9L gene, results from a T to C substitution at nucleotide position 2402. The leucine at codon 801 is replaced by proline, an amino acid with similar properties. This amino acid position is conserved. In addition, this alteration is predicted to be deleterious by in silico analysis. Based on the available evidence, the clinical significance of this variant remains unclear.

Labcorp Genetics (formerly Invitae), Labcorp
Classification: Uncertain significance. Last evaluated: 2024-12-12. Review status: criteria provided, single submitter. Criteria: Invitae Variant Classification Sherloc (09022015). Collection method: clinical testing. Allele origin: germline.
Comment: This sequence change replaces leucine, which is neutral and non-polar, with proline, which is neutral and non-polar, at codon 801 of the SAMD9L protein (p.Leu801Pro). This variant is present in population databases (rs763158134, gnomAD 0.04%). This variant has not been reported in the literature in individuals affected with SAMD9L-related conditions. ClinVar contains an entry for this variant (Variation ID: 1925788). Invitae Evidence Modeling of protein sequence and biophysical properties (such as structural, functional, and spatial information, amino acid conservation, physicochemical variation, residue mobility, and thermodynamic stability) indicates that this missense variant is expected to disrupt SAMD9L protein function with a positive predictive value of 80%. In summary, the available evidence is currently insufficient to determine the role of this variant in disease. Therefore, it has been classified as a Variant of Uncertain Significance.

NM_152703.5(SAMD9L):c.2402T>C (p.Leu801Pro)

Gene: SAMD9L (sterile alpha motif domain containing 9 like; minus strand). Cytogenetic location: 7q21.2.
Variant type: single nucleotide variant.
Coding change: c.2402T>C on transcript NM_152703.5 (MANE Select); coding-DNA position 2402, T replaced by C.
Protein change: p.Leu801Pro; replaces leucine 801 with proline.
Molecular consequence: missense variant.
Genome position (GRCh38, 1-based): chr7:93,133,570, A>G on the plus strand (T>C on the coding strand, the complement: SAMD9L is on the minus strand). VCF-style: chr7-93133570-A-G. GRCh37 (hg19) VCF-style: chr7-92762883-A-G.
Other names: c.2402T>C, p.Leu801Pro (NM_001303496.3, NM_001303497.3, NM_001303498.3 and 5 more transcripts); c.2402T>C (NM_152703.2); short protein forms L801P.
Identifiers: ClinVar variation 1925788 (VCV001925788.7), dbSNP rs763158134, ClinGen allele CA4343595.